The following is an entry in ClinVar:

ClinVar aggregate classification (germline): Uncertain significance (1 of 4 stars; one submission).

gnomAD v4.1: 3 of 1,614,056 alleles (0.00019%); highest among the groups gnomAD compares: Admixed American, 0.0033%; no homozygotes.

Submission:

GeneDx
Classification: Uncertain significance. Last evaluated: 2025-07-25. Review status: criteria provided, single submitter. Criteria: GeneDx Variant Classification Process June 2021. Collection method: clinical testing. Allele origin: germline.
Comment: Not observed at significant frequency in large population cohorts (gnomAD); In silico analysis supports that this missense variant has a deleterious effect on protein structure/function; Has not been previously published as pathogenic or benign to our knowledge

NM_001378964.1(CDON):c.3144C>G (p.His1048Gln)

Gene: CDON (cell adhesion associated, oncogene regulated; minus strand). Cytogenetic location: 11q24.2.
Variant type: single nucleotide variant.
Coding change: c.3144C>G on transcript NM_001378964.1 (MANE Select); coding-DNA position 3144, C replaced by G.
Protein change: p.His1048Gln; replaces histidine 1048 with glutamine.
Molecular consequence: missense variant.
Genome position (GRCh38, 1-based): chr11:125,981,181, G>C on the plus strand (C>G on the coding strand, the complement: CDON is on the minus strand). VCF-style: chr11-125981181-G-C. GRCh37 (hg19) VCF-style: chr11-125851076-G-C.
Other names: c.3144C>G, p.His1048Gln (NM_001243597.3, NM_016952.6); short protein forms H1048Q.
Identifiers: ClinVar variation 3906573 (VCV003906573.2).